The following is an entry in ClinVar:

ClinVar aggregate classification (germline): Uncertain significance (1 of 4 stars; one submission).

Submission:

Labcorp Genetics (formerly Invitae), Labcorp
Classification: Uncertain significance. Last evaluated: 2021-10-21. Review status: criteria provided, single submitter. Criteria: Invitae Variant Classification Sherloc (09022015). Collection method: clinical testing. Allele origin: germline.
Comment: Algorithms developed to predict the effect of sequence changes on RNA splicing suggest that this variant may create or strengthen a splice site. In summary, the available evidence is currently insufficient to determine the role of this variant in disease. Therefore, it has been classified as a Variant of Uncertain Significance. Algorithms developed to predict the effect of missense changes on protein structure and function are either unavailable or do not agree on the potential impact of this missense change (SIFT: "Tolerated"; PolyPhen-2: "Possibly Damaging"; Align-GVGD: "Class C0"). This sequence change replaces alanine with valine at codon 676 of the SZT2 protein (p.Ala676Val). The alanine residue is weakly conserved and there is a small physicochemical difference between alanine and valine. This variant is not present in population databases (ExAC no frequency). This variant has not been reported in the literature in individuals affected with SZT2-related conditions.

NM_001365999.1(SZT2):c.2027C>T (p.Ala676Val)

Gene: SZT2 (SZT2 subunit of KICSTOR complex; plus strand). Cytogenetic location: 1p34.2.
Variant type: single nucleotide variant.
Coding change: c.2027C>T on transcript NM_001365999.1 (MANE Select); coding-DNA position 2027, C replaced by T.
Protein change: p.Ala676Val; replaces alanine 676 with valine.
Molecular consequence: missense variant.
Genome position (GRCh38, 1-based): chr1:43,422,873, C>T. VCF-style: chr1-43422873-C-T. GRCh37 (hg19) VCF-style: chr1-43888544-C-T.
Other names: c.2027C>T, p.Ala676Val (NM_015284.4); short protein forms A676V.
Identifiers: ClinVar variation 1346117 (VCV001346117.5), dbSNP rs2153932594, ClinGen allele CA340010795.